The following is an entry in ClinVar:

ClinVar aggregate classification (germline): Likely benign. Review status: criteria provided, multiple submitters, no conflicts (2 of 4 stars). 3 submissions from 3 submitters: Likely benign (3). Last evaluated 2026-01-25.

Conditions:
Primary ciliary dyskinesia. Also called: Ciliary dyskinesia. Identifiers: Orphanet 244, MedGen C0008780, MONDO:0016575, HP:0012265.

Allele frequency attached by ClinVar (database versions not stated): gnomAD 0.00006; TOPMed 0.00009; 1000 Genomes Project 30x 0.00016; 1000 Genomes Project 0.00020; gnomAD exomes below 0.00001 and 0.00001; ExAC 0.00001.
gnomAD v4.1: 18 of 1,614,106 alleles (0.0011%); highest among the groups gnomAD compares: Admixed American, 0.018%; no homozygotes.

Submissions (3):

Labcorp Genetics (formerly Invitae), Labcorp
Classification: Likely benign for Primary ciliary dyskinesia. Last evaluated: 2026-01-25. Review status: criteria provided, single submitter. Criteria: Invitae Variant Classification Sherloc (09022015). Collection method: clinical testing. Allele origin: germline.

Ambry Genetics
Classification: Likely benign for Primary ciliary dyskinesia. Last evaluated: 2021-04-13. Review status: criteria provided, single submitter. Criteria: Ambry Variant Classification Scheme 2023. Collection method: clinical testing. Allele origin: germline.

Laboratory for Molecular Medicine, Mass General Brigham Personalized Medicine
Classification: Likely benign. Last evaluated: 2014-09-24. Review status: criteria provided, single submitter. Criteria: LMM Criteria. Collection method: clinical testing. Allele origin: germline. Observed: 1 variant allele.
Comment: Ala1969Ala in exon 36 of DNAH5: This variant is not expected to have clinical si gnificance because it does not alter an amino acid residue and is not located wi thin the splice consensus sequence.

NM_001369.3(DNAH5):c.5907T>C (p.Ala1969=)

Gene: DNAH5 (dynein axonemal heavy chain 5; minus strand). Cytogenetic location: 5p15.2.
Variant type: single nucleotide variant.
Coding change: c.5907T>C on transcript NM_001369.3 (MANE Select); coding-DNA position 5907, T replaced by C.
Protein change: p.Ala1969=; no amino-acid change (alanine 1969 retained).
Molecular consequence: synonymous variant.
Genome position (GRCh38, 1-based): chr5:13,830,751, A>G on the plus strand (T>C on the coding strand, the complement: DNAH5 is on the minus strand). VCF-style: chr5-13830751-A-G. GRCh37 (hg19) VCF-style: chr5-13830860-A-G.
Identifiers: ClinVar variation 163147 (VCV000163147.17), dbSNP rs569572855, ClinGen allele CA175790.